The following is an entry in ClinVar:

ClinVar aggregate classification (germline): Uncertain significance (1 of 4 stars; one submission).

Conditions:
Immunodeficiency 35 (IMD35). Also called: TYK2 DEFICIENCY; HIES WITH ATYPICAL MYCOBACTERIOSIS, AUTOSOMAL RECESSIVE; HYPER-IgE SYNDROME WITH ATYPICAL MYCOBACTERIOSIS, AUTOSOMAL RECESSIVE; Susceptibility to infection due to TYK2 deficiency. Identifiers: Orphanet 331226, MedGen C1969086, MONDO:0012682, OMIM 611521.

Allele frequency attached by ClinVar (database versions not stated): gnomAD exomes below 0.00001; gnomAD 0.00001; TOPMed 0.00001.

Submission:

Labcorp Genetics (formerly Invitae), Labcorp
Classification: Uncertain significance for Immunodeficiency 35. Last evaluated: 2020-07-20. Review status: criteria provided, single submitter. Criteria: Invitae Variant Classification Sherloc (09022015). Collection method: clinical testing. Allele origin: germline.
Comment: In summary, the available evidence is currently insufficient to determine the role of this variant in disease. Therefore, it has been classified as a Variant of Uncertain Significance. Algorithms developed to predict the effect of sequence changes on RNA splicing suggest that this variant may create or strengthen a splice site, but this prediction has not been confirmed by published transcriptional studies. Algorithms developed to predict the effect of missense changes on protein structure and function output the following: SIFT: "Not Available"; PolyPhen-2: "Benign"; Align-GVGD: "Not Available". The glutamine amino acid residue is found in multiple mammalian species, suggesting that this missense change does not adversely affect protein function. These predictions have not been confirmed by published functional studies and their clinical significance is uncertain. This variant has not been reported in the literature in individuals with TYK2-related conditions. This variant is not present in population databases (ExAC no frequency). This sequence change replaces arginine with glutamine at codon 381 of the TYK2 protein (p.Arg381Gln). The arginine residue is weakly conserved and there is a small physicochemical difference between arginine and glutamine.

NM_003331.5(TYK2):c.1142G>A (p.Arg381Gln)

Gene: TYK2 (tyrosine kinase 2; minus strand). Cytogenetic location: 19p13.2.
Variant type: single nucleotide variant.
Coding change: c.1142G>A on transcript NM_003331.5 (MANE Select); coding-DNA position 1142, G replaced by A.
Protein change: p.Arg381Gln; replaces arginine 381 with glutamine.
Molecular consequence: missense variant. On other transcripts: intron variant (1).
Genome position (GRCh38, 1-based): chr19:10,364,918, C>T on the plus strand (G>A on the coding strand, the complement: TYK2 is on the minus strand). VCF-style: chr19-10364918-C-T. GRCh37 (hg19) VCF-style: chr19-10475594-C-T.
Other names: c.1142G>A, p.Arg381Gln (NM_001385197.1, NM_001385198.1, NM_001385199.1 and 6 more transcripts); c.1052G>A, p.Arg351Gln (NM_001385205.1); c.1012-147G>A (NM_001385201.1); short protein forms R351Q, R381Q.
Identifiers: ClinVar variation 1024429 (VCV001024429.6), dbSNP rs1038910642, ClinGen allele CA305206439.